The following is an entry in ClinVar:

ClinVar aggregate classification (germline): Likely benign. Review status: criteria provided, multiple submitters, no conflicts (2 of 4 stars). 2 submissions from 2 submitters: Likely benign (2). Last evaluated 2023-06-26.

Conditions:
Familial thoracic aortic aneurysm and aortic dissection (TAAD). Also called: Thoracic aortic aneurysms and dissections. Identifiers: Orphanet 91387, MedGen C4707243, MONDO:0019625.

Submissions (2):

All of Us Research Program, National Institutes of Health
Classification: Likely benign for Familial thoracic aortic aneurysm and aortic dissection. Last evaluated: 2023-06-26. Review status: criteria provided, single submitter. Criteria: ACMG Guidelines, 2015. Collection method: clinical testing. Allele origin: germline. Inheritance: Autosomal dominant inheritance. Observed: 1 variant allele, 1 heterozygote.
Comment: This study involves interpretation of variants in research participants for the purpose of population health screening. Participant phenotype was not available at the time of variant classification. Additional details can be found in publication PMID: 35346344, PMCID: PMC8962531

Color Diagnostics, LLC DBA Color Health
Classification: Likely benign for Familial thoracic aortic aneurysm and aortic dissection. Last evaluated: 2020-11-11. Review status: criteria provided, single submitter. Criteria: ACMG Guidelines, 2015. Collection method: clinical testing. Allele origin: germline.

NM_002474.3(MYH11):c.483C>A (p.Ala161=)

Gene: MYH11 (myosin heavy chain 11; minus strand). Cytogenetic location: 16p13.11.
Variant type: single nucleotide variant.
Coding change: c.483C>A on transcript NM_002474.3 (MANE Select); coding-DNA position 483, C replaced by A.
Protein change: p.Ala161=; no amino-acid change (alanine 161 retained).
Molecular consequence: synonymous variant.
Genome position (GRCh38, 1-based): chr16:15,823,274, G>T on the plus strand (C>A on the coding strand, the complement: MYH11 is on the minus strand). VCF-style: chr16-15823274-G-T. GRCh37 (hg19) VCF-style: chr16-15917131-G-T.
Other names: c.483C>A, p.Ala161= (NM_001040113.2, NM_001040114.2, NM_022844.3).
Identifiers: ClinVar variation 1172115 (VCV001172115.3), dbSNP rs1410270945, ClinGen allele CA493791686.